The following is an entry in ClinVar:

ClinVar aggregate classification (germline): Uncertain significance (1 of 4 stars; one submission).

Conditions:
Hereditary cancer-predisposing syndrome. Also called: Hereditary neoplastic syndrome; Neoplastic Syndromes, Hereditary; Tumor predisposition; Hereditary Cancer Syndrome. Identifiers: Orphanet 140162, MedGen C0027672, MeSH D009386, MONDO:0015356.

Allele frequency attached by ClinVar (database versions not stated): gnomAD exomes below 0.00001.
gnomAD v4.1: 1 of 1,614,150 alleles (0.000062%); highest among the groups gnomAD compares: Non-Finnish European, 0.000085%; no homozygotes.

Submission:

Ambry Genetics
Classification: Uncertain significance for Hereditary cancer-predisposing syndrome. Last evaluated: 2025-05-23. Review status: criteria provided, single submitter. Criteria: Ambry Variant Classification Scheme 2023. Collection method: clinical testing. Allele origin: germline.
Comment: The p.A3039V variant (also known as c.9116C>T), located in coding exon 62 of the ATM gene, results from a C to T substitution at nucleotide position 9116. The alanine at codon 3039 is replaced by valine, an amino acid with similar properties. This amino acid position is highly conserved in available vertebrate species. In addition, this alteration is predicted to be deleterious by in silico analysis. Since supporting evidence is limited at this time, the clinical significance of this alteration remains unclear.

NM_000051.4(ATM):c.9116C>T (p.Ala3039Val)

Genes: ATM (ATM serine/threonine kinase; plus strand), C11orf65 (chromosome 11 open reading frame 65; minus strand). Cytogenetic location: 11q22.3.
Variant type: single nucleotide variant.
Coding change: c.9116C>T on transcript NM_000051.4 (MANE Select); coding-DNA position 9116, C replaced by T.
Protein change: p.Ala3039Val; replaces alanine 3039 with valine.
Molecular consequence: missense variant. On other transcripts: intron variant (2).
Genome position (GRCh38, 1-based): chr11:108,365,453, C>T. VCF-style: chr11-108365453-C-T. GRCh37 (hg19) VCF-style: chr11-108236180-C-T.
Other names: c.9116C>T, p.Ala3039Val (NM_001351834.2); c.640+20467G>A (NM_001330368.2); c.694+20467G>A (NM_001351110.2); short protein forms A3039V.
Identifiers: ClinVar variation 1765857 (VCV001765857.3), dbSNP rs1490064006, ClinGen allele CA382532009.
Genomic context (GRCh38, chr11:108,365,453, plus strand): 5'-GAGTGGAAGAAGGCACTGTGCTCAGTGTTGGTGGACAAGTGAATTTGCTCATACAGCAGG[C>T]CATAGACCCCAAAAATCTCAGCCGACTTTTCCCAGGATGGAAAGCTTGGGTGTGATCTTC-3'
Protein context (NP_000042.3, residues 3029-3049): GGQVNLLIQQ[Ala3039Val]IDPKNLSRLF